The following is an entry in ClinVar:

ClinVar aggregate classification (germline): Uncertain significance (1 of 4 stars; one submission).

Conditions:
GLUT1 deficiency syndrome 1, autosomal recessive. Identifiers: MedGen C3149117.

Submission:

Labcorp Genetics (formerly Invitae), Labcorp
Classification: Uncertain significance for GLUT1 deficiency syndrome 1, autosomal recessive. Last evaluated: 2022-03-19. Review status: criteria provided, single submitter. Criteria: Invitae Variant Classification Sherloc (09022015). Collection method: clinical testing. Allele origin: germline.
Comment: In summary, the available evidence is currently insufficient to determine the role of this variant in disease. Therefore, it has been classified as a Variant of Uncertain Significance. Advanced modeling of protein sequence and biophysical properties (such as structural, functional, and spatial information, amino acid conservation, physicochemical variation, residue mobility, and thermodynamic stability) performed at Invitae indicates that this missense variant is expected to disrupt SLC2A1 protein function. ClinVar contains an entry for this variant (Variation ID: 844152). This variant has not been reported in the literature in individuals affected with SLC2A1-related conditions. This variant is not present in population databases (gnomAD no frequency). This sequence change replaces valine, which is neutral and non-polar, with methionine, which is neutral and non-polar, at codon 69 of the SLC2A1 protein (p.Val69Met).

NM_006516.4(SLC2A1):c.205G>A (p.Val69Met)

Gene: SLC2A1 (solute carrier family 2 member 1; minus strand). Cytogenetic location: 1p34.2.
Variant type: single nucleotide variant.
Coding change: c.205G>A on transcript NM_006516.4 (MANE Select); coding-DNA position 205, G replaced by A.
Protein change: p.Val69Met; replaces valine 69 with methionine.
Molecular consequence: missense variant.
Genome position (GRCh38, 1-based): chr1:42,931,116, C>T on the plus strand (G>A on the coding strand, the complement: SLC2A1 is on the minus strand). VCF-style: chr1-42931116-C-T. GRCh37 (hg19) VCF-style: chr1-43396787-C-T.
Other names: short protein forms V69M.
Identifiers: ClinVar variation 844152 (VCV000844152.10), dbSNP rs1643484773, ClinGen allele CA339962021.